The following is an entry in ClinVar:

NM_181426.2(CCDC39):c.68A>C (p.Glu23Ala)

Gene: CCDC39 (coiled-coil domain 39 molecular ruler complex subunit; minus strand). Cytogenetic location: 3q26.33.
Variant type: single nucleotide variant.
Coding change: c.68A>C on transcript NM_181426.2 (MANE Select); coding-DNA position 68, A replaced by C.
Protein change: p.Glu23Ala; replaces glutamic acid 23 with alanine.
Molecular consequence: missense variant.
Genome position (GRCh38, 1-based): chr3:180,679,313, T>G on the plus strand (A>C on the coding strand, the complement: CCDC39 is on the minus strand). VCF-style: chr3-180679313-T-G. GRCh37 (hg19) VCF-style: chr3-180397101-T-G.
Other names: short protein forms E23A.
Identifiers: ClinVar variation 344281 (VCV000344281.17), dbSNP rs200225521, ClinGen allele CA2716262.

ClinVar aggregate classification (germline): Conflicting classifications of pathogenicity. Review status: criteria provided, conflicting classifications (1 of 4 stars). 5 submissions from 5 submitters: Uncertain significance (4); Likely benign (1). Last evaluated 2024-12-23.

Conditions:
Primary ciliary dyskinesia 14. Also called: CILIARY DYSKINESIA, PRIMARY, 14, WITH OR WITHOUT SITUS INVERSUS. Identifiers: Orphanet 244, MedGen C3151136, MONDO:0013434, OMIM 613807.
Primary ciliary dyskinesia. Also called: Ciliary dyskinesia. Identifiers: Orphanet 244, MedGen C0008780, MONDO:0016575, HP:0012265.

Allele frequency attached by ClinVar (database versions not stated): ESP Exome Variant Server 0.00008; gnomAD exomes 0.00024 and 0.00034; ExAC 0.00034; TOPMed 0.00017; gnomAD 0.00021.
gnomAD v4.1: 391 of 1,613,892 alleles (0.024%); highest among the groups gnomAD compares: Middle Eastern, 0.18%; 2 homozygotes.

Submissions (5):

Ambry Genetics
Classification: Uncertain significance for Primary ciliary dyskinesia. Last evaluated: 2024-12-23. Review status: criteria provided, single submitter. Criteria: Ambry Variant Classification Scheme 2023. Collection method: clinical testing. Allele origin: germline.
Comment: The p.E23A variant (also known as c.68A>C), located in coding exon 1 of the CCDC39 gene, results from an A to C substitution at nucleotide position 68. The glutamic acid at codon 23 is replaced by alanine, an amino acid with dissimilar properties. This amino acid position is well conserved on limited sequence alignment. In addition, this alteration is predicted to be tolerated by in silico analysis. Based on the available evidence, the clinical significance of this variant remains unclear.

Blueprint Genetics
Classification: Likely benign. Last evaluated: 2024-08-06. Review status: criteria provided, single submitter. Criteria: ACMG Guidelines, 2015. Collection method: clinical testing. Allele origin: germline.

Labcorp Genetics (formerly Invitae), Labcorp
Classification: Uncertain significance for Primary ciliary dyskinesia. Last evaluated: 2022-07-10. Review status: criteria provided, single submitter. Criteria: Invitae Variant Classification Sherloc (09022015). Collection method: clinical testing. Allele origin: germline.
Comment: This sequence change replaces glutamic acid, which is acidic and polar, with alanine, which is neutral and non-polar, at codon 23 of the CCDC39 protein (p.Glu23Ala). This variant is present in population databases (rs200225521, gnomAD 0.1%). This variant has not been reported in the literature in individuals affected with CCDC39-related conditions. ClinVar contains an entry for this variant (Variation ID: 344281). Algorithms developed to predict the effect of missense changes on protein structure and function (SIFT, PolyPhen-2, Align-GVGD) all suggest that this variant is likely to be disruptive. In summary, the available evidence is currently insufficient to determine the role of this variant in disease. Therefore, it has been classified as a Variant of Uncertain Significance.

Illumina Laboratory Services, Illumina
Classification: Uncertain significance for Primary ciliary dyskinesia 14. Last evaluated: 2018-01-12. Review status: criteria provided, single submitter. Criteria: ICSL Variant Classification Criteria 13 December 2019. Collection method: clinical testing. Allele origin: germline.

Breakthrough Genomics
Classification: Uncertain significance. Review status: criteria provided, single submitter. Criteria: ACMG Guidelines, 2015. Collection method: not provided. Allele origin: germline. Inheritance: Autosomal recessive inheritance. Affected: yes.